The following is an entry in ClinVar:

ClinVar aggregate classification (germline): Benign/Likely benign. Review status: criteria provided, multiple submitters, no conflicts (2 of 4 stars). 2 submissions from 2 submitters: Benign (1); Likely benign (1). Last evaluated 2024-07-31.

Conditions:
Juvenile polyposis syndrome (JPS). Identifiers: Orphanet 2929, MedGen C0345893, MONDO:0017380, OMIM 174900.

Submissions (2):

Myriad Genetics, Inc.
Classification: Benign for Juvenile polyposis syndrome. Last evaluated: 2024-07-31. Review status: criteria provided, single submitter. Criteria: Myriad Autosomal Dominant, Autosomal Recessive and X-Linked Classification Criteria (2023). Collection method: clinical testing. Allele origin: unknown.
Comment: This variant is considered benign. This variant is a silent/synonymous amino acid change and it is not expected to impact splicing.

Labcorp Genetics (formerly Invitae), Labcorp
Classification: Likely benign for Juvenile polyposis syndrome. Last evaluated: 2023-05-27. Review status: criteria provided, single submitter. Criteria: Invitae Variant Classification Sherloc (09022015). Collection method: clinical testing. Allele origin: germline.

NM_004329.3(BMPR1A):c.204A>C (p.Pro68=)

Gene: BMPR1A (bone morphogenetic protein receptor type 1A; plus strand). Cytogenetic location: 10q23.2.
Variant type: single nucleotide variant.
Coding change: c.204A>C on transcript NM_004329.3 (MANE Select); coding-DNA position 204, A replaced by C.
Protein change: p.Pro68=; no amino-acid change (proline 68 retained).
Molecular consequence: synonymous variant. On other transcripts: non-coding transcript variant (3).
Genome position (GRCh38, 1-based): chr10:86,890,198, A>C. VCF-style: chr10-86890198-A-C. GRCh37 (hg19) VCF-style: chr10-88649955-A-C.
Other names: c.204A>C, p.Pro68= (NM_001406583.1, NM_001406589.1, NM_001406559.1 and 23 more transcripts); c.120A>C, p.Pro40= (NM_001406584.1, NM_001406585.1, NM_001406586.1 and 2 more transcripts).
Identifiers: ClinVar variation 2734287 (VCV002734287.4), dbSNP rs1843128030, ClinGen allele CA470304582.